The following is an entry in ClinVar:

NM_004333.6(BRAF):c.187G>A (p.Ala63Thr)

Gene: BRAF (B-Raf proto-oncogene, serine/threonine kinase; minus strand). Cytogenetic location: 7q34.
Variant type: single nucleotide variant.
Coding change: c.187G>A on transcript NM_004333.6 (MANE Select); coding-DNA position 187, G replaced by A.
Protein change: p.Ala63Thr; replaces alanine 63 with threonine.
Molecular consequence: missense variant. On other transcripts: intron variant (1).
Genome position (GRCh38, 1-based): chr7:140,850,164, C>T on the plus strand (G>A on the coding strand, the complement: BRAF is on the minus strand). VCF-style: chr7-140850164-C-T. GRCh37 (hg19) VCF-style: chr7-140549964-C-T.
Other names: c.187G>A, p.Ala63Thr (NM_001354609.2, NM_001374244.1, NM_001374258.1 and 6 more transcripts); c.31G>A, p.Ala11Thr (NM_001378472.1, NM_001378473.1); c.139-15292G>A (NM_001378470.1); short protein forms A11T, A63T.
Identifiers: ClinVar variation 2864186 (VCV002864186.3), dbSNP rs2536569980, ClinGen allele CA369587891.

ClinVar aggregate classification (germline): Uncertain significance (1 of 4 stars; one submission).

Conditions:
RASopathy. Also called: rasopathies; Noonan spectrum disorder. Identifiers: Orphanet 536391, MedGen C5555857, MONDO:0021060.

Submission:

Labcorp Genetics (formerly Invitae), Labcorp
Classification: Uncertain significance for RASopathy. Last evaluated: 2024-07-30. Review status: criteria provided, single submitter. Criteria: Invitae Variant Classification Sherloc (09022015). Collection method: clinical testing. Allele origin: germline.
Comment: This sequence change replaces alanine, which is neutral and non-polar, with threonine, which is neutral and polar, at codon 63 of the BRAF protein (p.Ala63Thr). This variant is not present in population databases (gnomAD no frequency). This variant has not been reported in the literature in individuals affected with BRAF-related conditions. Advanced modeling of protein sequence and biophysical properties (such as structural, functional, and spatial information, amino acid conservation, physicochemical variation, residue mobility, and thermodynamic stability) performed at Invitae indicates that this missense variant is expected to disrupt BRAF protein function with a positive predictive value of 95%. In summary, the available evidence is currently insufficient to determine the role of this variant in disease. Therefore, it has been classified as a Variant of Uncertain Significance.